The following is an entry in ClinVar:

ClinVar aggregate classification (germline): Uncertain significance (1 of 4 stars; one submission).

Conditions:
Hereditary cancer-predisposing syndrome. Also called: Tumor predisposition; Neoplastic Syndromes, Hereditary; Hereditary neoplastic syndrome; Hereditary Cancer Syndrome. Identifiers: Orphanet 140162, MedGen C0027672, MeSH D009386, MONDO:0015356.

Submission:

Ambry Genetics
Classification: Uncertain significance for Hereditary cancer-predisposing syndrome. Last evaluated: 2025-08-27. Review status: criteria provided, single submitter. Criteria: Ambry Variant Classification Scheme 2023. Collection method: clinical testing. Allele origin: germline.
Comment: The p.N531Y variant (also known as c.1591A>T), located in coding exon 16 of the MUTYH gene, results from an A to T substitution at nucleotide position 1591. The asparagine at codon 531 is replaced by tyrosine, an amino acid with dissimilar properties. This amino acid position is conserved. In addition, this alteration is predicted to be tolerated by in silico analysis. Based on the available evidence, the clinical significance of this variant remains unclear.

NM_001048174.2(MUTYH):c.1507A>T (p.Asn503Tyr)

Gene: MUTYH (mutY DNA glycosylase; minus strand). Cytogenetic location: 1p34.1.
Variant type: single nucleotide variant.
Coding change: c.1507A>T on transcript NM_001048174.2 (MANE Select); coding-DNA position 1507, A replaced by T.
Protein change: p.Asn503Tyr; replaces asparagine 503 with tyrosine.
Molecular consequence: missense variant. On other transcripts: non-coding transcript variant (7).
Genome position (GRCh38, 1-based): chr1:45,329,365, T>A on the plus strand (A>T on the coding strand, the complement: MUTYH is on the minus strand). VCF-style: chr1-45329365-T-A. GRCh37 (hg19) VCF-style: chr1-45795037-T-A.
Other names: c.1507A>T, p.Asn503Tyr (NM_001048171.2, NM_001048173.2, NM_001293195.2 and 6 more transcripts); c.1510A>T, p.Asn504Tyr (NM_001048172.2, NM_001407071.1, NM_001407078.1 and 1 more transcripts); c.1591A>T, p.Asn531Tyr (NM_001128425.2); c.1552A>T, p.Asn518Tyr (NM_001293190.2); c.1540A>T, p.Asn514Tyr (NM_001293191.2, NM_001407069.1, NM_001407077.1); c.1231A>T, p.Asn411Tyr (NM_001293192.2, NM_001293196.2, NM_001407091.1); c.1162A>T, p.Asn388Tyr (NM_001350650.2, NM_001350651.2, NM_001407082.1); c.1528A>T, p.Asn510Tyr (NM_001407087.1); and 5 more; short protein forms N490Y, N514Y, N411Y, N475Y, N510Y, N517Y, N388Y, N503Y.
Identifiers: ClinVar variation 4113407 (VCV004113407.1).